The following is an entry in ClinVar:

NM_000417.3(IL2RA):c.643G>A (p.Val215Ile)

Gene: IL2RA (interleukin 2 receptor subunit alpha; minus strand). Cytogenetic location: 10p15.1.
Variant type: single nucleotide variant.
Coding change: c.643G>A on transcript NM_000417.3 (MANE Select); coding-DNA position 643, G replaced by A.
Protein change: p.Val215Ile; replaces valine 215 with isoleucine.
Molecular consequence: missense variant. On other transcripts: intron variant (1).
Genome position (GRCh38, 1-based): chr10:6,019,882, C>T on the plus strand (G>A on the coding strand, the complement: IL2RA is on the minus strand). VCF-style: chr10-6019882-C-T. GRCh37 (hg19) VCF-style: chr10-6061845-C-T.
Other names: c.643G>A (NM_000417.2); c.427G>A, p.Val143Ile (NM_001308242.2); c.368-383G>A (NM_001308243.2); short protein forms V215I, V143I.
Identifiers: ClinVar variation 1436549 (VCV001436549.7), dbSNP rs145428184, ClinGen allele CA5397382.

ClinVar aggregate classification (germline): Conflicting classifications of pathogenicity. Review status: criteria provided, conflicting classifications (1 of 4 stars). 2 submissions from 2 submitters: Uncertain significance (1); Likely benign (1). Last evaluated 2024-12-21.

Conditions:
Immunodeficiency due to CD25 deficiency. Also called: IL2RA DEFICIENCY; CD25 DEFICIENCY; IMMUNODEFICIENCY 41 WITH LYMPHOPROLIFERATION AND AUTOIMMUNITY. Identifiers: Orphanet 169100, MedGen C1853392, MONDO:0011664, OMIM 606367.

Allele frequency attached by ClinVar (database versions not stated): gnomAD exomes 0.00001; TOPMed 0.00001; ExAC 0.00002; gnomAD 0.00004; ESP Exome Variant Server 0.00008.
gnomAD v4.1: 39 of 1,613,968 alleles (0.0024%); highest among the groups gnomAD compares: Middle Eastern, 0.016%; no homozygotes.

Submissions (2):

Ambry Genetics
Classification: Likely benign. Last evaluated: 2024-12-21. Review status: criteria provided, single submitter. Criteria: Ambry Variant Classification Scheme 2023. Collection method: clinical testing. Allele origin: germline.

Labcorp Genetics (formerly Invitae), Labcorp
Classification: Uncertain significance for Immunodeficiency due to CD25 deficiency. Last evaluated: 2023-09-03. Review status: criteria provided, single submitter. Criteria: Invitae Variant Classification Sherloc (09022015). Collection method: clinical testing. Allele origin: germline.
Comment: This sequence change replaces valine, which is neutral and non-polar, with isoleucine, which is neutral and non-polar, at codon 215 of the IL2RA protein (p.Val215Ile). This variant is present in population databases (rs145428184, gnomAD 0.004%). This variant has not been reported in the literature in individuals affected with IL2RA-related conditions. ClinVar contains an entry for this variant (Variation ID: 1436549). Advanced modeling of protein sequence and biophysical properties (such as structural, functional, and spatial information, amino acid conservation, physicochemical variation, residue mobility, and thermodynamic stability) performed at Invitae indicates that this missense variant is not expected to disrupt IL2RA protein function. In summary, the available evidence is currently insufficient to determine the role of this variant in disease. Therefore, it has been classified as a Variant of Uncertain Significance.